The following is an entry in ClinVar:

NM_000516.7(GNAS):c.780C>T (p.Asp260=)

Gene: GNAS (GNAS complex locus; plus strand). Cytogenetic location: 20q13.32.
Variant type: single nucleotide variant.
Coding change: c.780C>T on transcript NM_000516.7 (MANE Select); coding-DNA position 780, C replaced by T.
Protein change: p.Asp260=; no amino-acid change (aspartic acid 260 retained).
Molecular consequence: synonymous variant. On other transcripts: 3 prime UTR variant (2).
Genome position (GRCh38, 1-based): chr20:58,909,745, C>T. VCF-style: chr20-58909745-C-T. GRCh37 (hg19) VCF-style: chr20-57484800-C-T.
Other names: c.783C>T, p.Asp261= (NM_001077488.5); c.735C>T, p.Asp245= (NM_001077489.4); c.*641C>T (NM_001077490.3); c.603C>T, p.Asp201= (NM_001309840.2, NM_001309861.2); c.684C>T, p.Asp228= (NM_001410912.1); c.2664C>T, p.Asp888= (NM_001410913.1); c.*686C>T (NM_016592.5); c.2709C>T, p.Asp903= (NM_080425.4); and 1 more.
Identifiers: ClinVar variation 3043748 (VCV003043748.2), dbSNP rs775536365, ClinGen allele CA9927227.

ClinVar aggregate classification (germline): Likely benign (0 of 4 stars; one submission).

Conditions:
GNAS-related disorder. Identifiers: MedGen CN380105.

Allele frequency attached by ClinVar (database versions not stated): gnomAD exomes below 0.00001; ExAC 0.00001; gnomAD 0.00001.
gnomAD v4.1: 3 of 1,613,762 alleles (0.00019%); highest among the groups gnomAD compares: South Asian, 0.0022%; no homozygotes.

Submission:

PreventionGenetics, part of Exact Sciences
Classification: Likely benign for GNAS-related condition. Last evaluated: 2022-06-02. Review status: no assertion criteria provided. Collection method: clinical testing. Allele origin: germline.
Comment: This variant is classified as likely benign based on ACMG/AMP sequence variant interpretation guidelines (Richards et al. 2015 PMID: 25741868, with internal and published modifications).